The following is an entry in ClinVar:

NM_001151.4(SLC25A4):c.252C>T (p.Thr84=)

Gene: SLC25A4 (solute carrier family 25 member 4; plus strand). Cytogenetic location: 4q35.1.
Variant type: single nucleotide variant.
Coding change: c.252C>T on transcript NM_001151.4 (MANE Select); coding-DNA position 252, C replaced by T.
Protein change: p.Thr84=; no amino-acid change (threonine 84 retained).
Molecular consequence: synonymous variant.
Genome position (GRCh38, 1-based): chr4:185,144,904, C>T. VCF-style: chr4-185144904-C-T. GRCh37 (hg19) VCF-style: chr4-186066058-C-T.
Other names: p.Thr84=; c.252C>T (NM_001151.2).
Identifiers: ClinVar variation 704300 (VCV000704300.24), dbSNP rs145413043, ClinGen allele CA3156442.
Genomic context (GRCh38, chr4:185,144,904, plus strand): 5'-GCAGGGCTTCCTCTCCTTCTGGAGGGGTAACCTGGCCAACGTGATCCGTTACTTCCCCAC[C>T]CAAGCTCTCAACTTCGCCTTCAAGGACAAGTACAAGCAGCTCTTCTTAGGGGGTGTGGAT-3'
Protein context (NP_001142.2, residues 74-94): NLANVIRYFP[Thr84=]QALNFAFKDK

ClinVar aggregate classification (germline): Benign/Likely benign. Review status: criteria provided, multiple submitters, no conflicts (2 of 4 stars). 9 submissions from 9 submitters: Benign (1); Likely benign (7). 1 of the submissions does not count toward it. Last evaluated 2026-01-26.

Conditions:
Mitochondrial DNA depletion syndrome 12B (cardiomyopathic type), autosomal recessive. Also called: Mitochondrial DNA depletion syndrome 12B (cardiomyopathic type) AR. Identifiers: Orphanet 1369, MedGen C3809443, MONDO:0014175, OMIM 615418.
Progressive external ophthalmoplegia with mitochondrial DNA deletions, autosomal dominant 2. Also called: PROGRESSIVE EXTERNAL OPHTHALMOPLEGIA, AUTOSOMAL DOMINANT 2. Identifiers: MedGen C1836460, MONDO:0012238, OMIM 609283.
Mitochondrial DNA depletion syndrome 12A (cardiomyopathic type), autosomal dominant. Also called: Mitochondrial DNA depletion syndrome 12A (cardiomyopathic type) AD. Identifiers: MedGen C4310676, MONDO:0014959, OMIM 617184.
SLC25A4-related disorder. Also called: SLC25A4-related condition.

Allele frequency attached by ClinVar (database versions not stated): gnomAD exomes 0.00006 and 0.00016; ExAC 0.00016; 1000 Genomes Project 0.00060; 1000 Genomes Project 30x 0.00062; gnomAD 0.00068 and 0.00074; ESP Exome Variant Server 0.00069; TOPMed 0.00093.

Submissions (9):

Labcorp Genetics (formerly Invitae), Labcorp
Classification: Likely benign. Last evaluated: 2026-01-26. Review status: criteria provided, single submitter. Criteria: Invitae Variant Classification Sherloc (09022015). Collection method: clinical testing. Allele origin: germline.

Women's Health and Genetics/Laboratory Corporation of America, LabCorp
Classification: Likely benign. Last evaluated: 2025-10-21. Review status: criteria provided, single submitter. Criteria: LabCorp Variant Classification Summary - May 2015. Collection method: clinical testing. Allele origin: germline.

Mayo Clinic Laboratories, Mayo Clinic
Classification: Likely benign. Last evaluated: 2025-03-18. Review status: criteria provided, single submitter. Criteria: ACMG Guidelines, 2015. Collection method: clinical testing. Allele origin: germline. Observed: 1 variant allele.
Comment: BP4, BP7

Blueprint Genetics
Classification: Likely benign. Last evaluated: 2024-06-05. Review status: criteria provided, single submitter. Criteria: ACMG Guidelines, 2015. Collection method: clinical testing. Allele origin: germline.

Athena Diagnostics
Classification: Benign. Last evaluated: 2023-11-30. Review status: criteria provided, single submitter. Criteria: Athena Diagnostics Criteria. Collection method: clinical testing. Allele origin: unknown.

Fulgent Genetics
Classification: Likely benign for Progressive external ophthalmoplegia with mitochondrial DNA deletions, autosomal dominant 2; Mitochondrial DNA depletion syndrome 12B (cardiomyopathic type), autosomal recessive; Mitochondrial DNA depletion syndrome 12A (cardiomyopathic type), autosomal dominant. Last evaluated: 2021-09-13. Review status: criteria provided, single submitter. Criteria: ACMG Guidelines, 2015. Collection method: clinical testing. Allele origin: unknown.

GeneDx
Classification: Likely benign. Last evaluated: 2021-03-24. Review status: criteria provided, single submitter. Criteria: GeneDx Variant Classification Process June 2021. Collection method: clinical testing. Allele origin: germline. Affected: yes.

ARUP Laboratories, Molecular Genetics and Genomics, ARUP Laboratories
Classification: Likely benign. Last evaluated: 2021-02-04. Review status: criteria provided, single submitter. Criteria: ARUP Molecular Germline Variant Investigation Process 2021. Collection method: clinical testing. Allele origin: germline.

PreventionGenetics, part of Exact Sciences
Classification: Likely benign for SLC25A4-related condition. Last evaluated: 2020-01-03. Review status: no assertion criteria provided. Collection method: clinical testing. Allele origin: germline. Not counted in ClinVar's aggregate classification.
Comment: This variant is classified as likely benign based on ACMG/AMP sequence variant interpretation guidelines (Richards et al. 2015 PMID: 25741868, with internal and published modifications).

Literature cited by the submitters: PubMed 26265630 (cited by Athena Diagnostics).